The following is an entry in ClinVar:

ClinVar aggregate classification (germline): Uncertain significance (1 of 4 stars; one submission).

Conditions:
Gastrointestinal stromal tumor. Also called: Gastrointestinal stroma tumor; Gastrointestinal stromal tumor, somatic. Identifiers: Orphanet 44890, MedGen C0238198, MeSH D046152, MONDO:0011719, OMIM 606764, HP:0100723.

Submission:

Labcorp Genetics (formerly Invitae), Labcorp
Classification: Uncertain significance for Gastrointestinal stromal tumor. Last evaluated: 2025-08-10. Review status: criteria provided, single submitter. Criteria: Invitae Variant Classification Sherloc (09022015). Collection method: clinical testing. Allele origin: germline.
Comment: This sequence change replaces valine, which is neutral and non-polar, with leucine, which is neutral and non-polar, at codon 972 of the KIT protein (p.Val972Leu). This variant is not present in population databases (gnomAD no frequency). This variant has not been reported in the literature in individuals affected with KIT-related conditions. An algorithm developed to predict the effect of missense changes on protein structure and function (PolyPhen-2) suggests that this variant is likely to be tolerated. In summary, the available evidence is currently insufficient to determine the role of this variant in disease. Therefore, it has been classified as a Variant of Uncertain Significance.

NM_000222.3(KIT):c.2914G>C (p.Val972Leu)

Gene: KIT (KIT proto-oncogene, receptor tyrosine kinase; plus strand). Cytogenetic location: 4q12.
Variant type: single nucleotide variant.
Coding change: c.2914G>C on transcript NM_000222.3 (MANE Select); coding-DNA position 2914, G replaced by C.
Protein change: p.Val972Leu; replaces valine 972 with leucine.
Molecular consequence: missense variant.
Genome position (GRCh38, 1-based): chr4:54,738,540, G>C. VCF-style: chr4-54738540-G-C. GRCh37 (hg19) VCF-style: chr4-55604706-G-C.
Other names: c.2902G>C, p.Val968Leu (NM_001093772.2, NM_001385292.1); c.2917G>C, p.Val973Leu (NM_001385284.1); c.2911G>C, p.Val971Leu (NM_001385285.1); c.2899G>C, p.Val967Leu (NM_001385286.1); c.2905G>C, p.Val969Leu (NM_001385288.1); c.2914G>C, p.Val972Leu (NM_001385290.1); short protein forms V967L, V968L, V969L, V971L, V972L, V973L.
Identifiers: ClinVar variation 4811364 (VCV004811364.1).
Genomic context (GRCh38, chr4:54,738,540, plus strand): 5'-GACCATTCTGTGCGGATCAATTCTGTCGGCAGCACCGCTTCCTCCTCCCAGCCTCTGCTT[G>C]TGCACGACGATGTCTGAGCAGAATCAGTGTTTGGGTCACCCCTCCAGGAATGATCTCTTC-3'
Protein context (NP_000213.1, residues 962-976): STASSSQPLL[Val972Leu]HDDV